The following is an entry in ClinVar:

NM_000718.4(CACNA1B):c.1953C>T (p.Ala651=)

Gene: CACNA1B (calcium voltage-gated channel subunit alpha1 B; plus strand). Cytogenetic location: 9q34.3.
Variant type: single nucleotide variant.
Coding change: c.1953C>T on transcript NM_000718.4 (MANE Select); coding-DNA position 1953, C replaced by T.
Protein change: p.Ala651=; no amino-acid change (alanine 651 retained).
Molecular consequence: synonymous variant.
Genome position (GRCh38, 1-based): chr9:137,986,833, C>T. VCF-style: chr9-137986833-C-T. GRCh37 (hg19) VCF-style: chr9-140881285-C-T.
Other names: c.1953C>T, p.Ala651= (NM_001243812.2).
Identifiers: ClinVar variation 784512 (VCV000784512.36), dbSNP rs79042424, ClinGen allele CA5376316.
Genomic context (GRCh38, chr9:137,986,833, plus strand): 5'-TTTCCTCAGGTTCAACTTCCAGGATGAGACTCCCACAACCAACTTCGACACCTTCCCTGC[C>T]GCCATCCTCACTGTCTTCCAGGTAAGGCACCTGCTCTGCACATTTGCGGCCTGCCCGGCT-3'
Protein context (NP_000709.1, residues 641-661): TPTTNFDTFP[Ala651=]AILTVFQILT

ClinVar aggregate classification (germline): Benign/Likely benign. Review status: criteria provided, multiple submitters, no conflicts (2 of 4 stars). 4 submissions from 4 submitters: Benign (1); Likely benign (3). Last evaluated 2026-01-24.

Allele frequency attached by ClinVar (database versions not stated): gnomAD exomes 0.00032 and 0.00095; ExAC 0.00124; gnomAD 0.00356 and 0.00371; TOPMed 0.00383; ESP Exome Variant Server 0.00406; 1000 Genomes Project 0.00559; 1000 Genomes Project 30x 0.00625.
gnomAD v4.1: 1,037 of 1,613,790 alleles (0.064%); highest among the groups gnomAD compares: African/African-American, 1.2%; 2 homozygotes.

Submissions (4):

Labcorp Genetics (formerly Invitae), Labcorp
Classification: Benign. Last evaluated: 2026-01-24. Review status: criteria provided, single submitter. Criteria: Invitae Variant Classification Sherloc (09022015). Collection method: clinical testing. Allele origin: germline.

Blueprint Genetics
Classification: Likely benign. Last evaluated: 2024-10-23. Review status: criteria provided, single submitter. Criteria: ACMG Guidelines, 2015. Collection method: clinical testing. Allele origin: germline.

CeGaT Center for Human Genetics Tuebingen
Classification: Likely benign. Last evaluated: 2023-09-01. Review status: criteria provided, single submitter. Criteria: CeGaT Center For Human Genetics Tuebingen Variant Classification Criteria Version 2. Collection method: clinical testing. Allele origin: germline. Affected: yes. Observed: 3 variant alleles.
Comment: CACNA1B: BP4, BP7, BS1

GeneDx
Classification: Likely benign. Last evaluated: 2021-12-23. Review status: criteria provided, single submitter. Criteria: GeneDx Variant Classification Process June 2021. Collection method: clinical testing. Allele origin: germline. Affected: yes.
Comment: See Variant Classification Assertion Criteria.